The following is an entry in ClinVar:

ClinVar aggregate classification (germline): Likely benign (1 of 4 stars; one submission).

Allele frequency attached by ClinVar (database versions not stated): gnomAD exomes 0.00001; ExAC 0.00002; TOPMed 0.00002; gnomAD 0.00003.
gnomAD v4.1: 19 of 1,611,020 alleles (0.0012%); highest among the groups gnomAD compares: East Asian, 0.0067%; no homozygotes.

Submission:

CeGaT Center for Human Genetics Tuebingen
Classification: Likely benign. Last evaluated: 2023-02-01. Review status: criteria provided, single submitter. Criteria: CeGaT Center For Human Genetics Tuebingen Variant Classification Criteria Version 2. Collection method: clinical testing. Allele origin: germline. Affected: yes. Observed: 1 variant allele.
Comment: VPS13C: BP4, BP7

NM_020821.3(VPS13C):c.3297C>T (p.Asn1099=)

Gene: VPS13C (vacuolar protein sorting 13 homolog C; minus strand). Cytogenetic location: 15q22.2.
Variant type: single nucleotide variant.
Coding change: c.3297C>T on transcript NM_020821.3 (MANE Select); coding-DNA position 3297, C replaced by T.
Protein change: p.Asn1099=; no amino-acid change (asparagine 1099 retained).
Molecular consequence: synonymous variant.
Genome position (GRCh38, 1-based): chr15:61,963,869, G>A on the plus strand (C>T on the coding strand, the complement: VPS13C is on the minus strand). VCF-style: chr15-61963869-G-A. GRCh37 (hg19) VCF-style: chr15-62256068-G-A.
Other names: c.3297C>T, p.Asn1099= (NM_001018088.3); c.3168C>T, p.Asn1056= (NM_017684.5, NM_018080.4).
Identifiers: ClinVar variation 2645403 (VCV002645403.24), dbSNP rs747970538, ClinGen allele CA7596428.